The following is an entry in ClinVar:

ClinVar aggregate classification (germline): Uncertain significance. Review status: criteria provided, multiple submitters, no conflicts (2 of 4 stars). 3 submissions from 3 submitters: Uncertain significance (3). Last evaluated 2025-01-17.

Conditions:
Pancreatic adenocarcinoma. Identifiers: MedGen C0281361, MONDO:0006047, HP:0006725.
Pancreatic cancer, susceptibility to, 1. Identifiers: Orphanet 1333, MedGen C1847351, MONDO:0011739, OMIM 606856.

Allele frequency attached by ClinVar (database versions not stated): ExAC 0.00001; gnomAD exomes 0.00001; gnomAD 0.00002.
gnomAD v4.1: 12 of 1,610,684 alleles (0.00075%); highest among the groups gnomAD compares: Admixed American, 0.0033%; no homozygotes.

Submissions (3):

Ambry Genetics
Classification: Uncertain significance. Last evaluated: 2025-01-17. Review status: criteria provided, single submitter. Criteria: Ambry Variant Classification Scheme 2023. Collection method: clinical testing. Allele origin: germline.

Fulgent Genetics
Classification: Uncertain significance for Pancreatic cancer, susceptibility to, 1. Last evaluated: 2024-05-10. Review status: criteria provided, single submitter. Criteria: ACMG Guidelines, 2015. Collection method: clinical testing. Allele origin: germline.

Labcorp Genetics (formerly Invitae), Labcorp
Classification: Uncertain significance for Pancreatic adenocarcinoma. Last evaluated: 2022-11-22. Review status: criteria provided, single submitter. Criteria: Invitae Variant Classification Sherloc (09022015). Collection method: clinical testing. Allele origin: germline.
Comment: In summary, the available evidence is currently insufficient to determine the role of this variant in disease. Therefore, it has been classified as a Variant of Uncertain Significance. Algorithms developed to predict the effect of missense changes on protein structure and function (SIFT, PolyPhen-2, Align-GVGD) all suggest that this variant is likely to be disruptive. This variant has not been reported in the literature in individuals affected with PALLD-related conditions. This variant is present in population databases (rs764754301, gnomAD 0.003%). This sequence change replaces valine, which is neutral and non-polar, with isoleucine, which is neutral and non-polar, at codon 514 of the PALLD protein (p.Val514Ile).

NM_001166108.2(PALLD):c.3052G>A (p.Val1018Ile)

Genes: PALLD (palladin, cytoskeletal associated protein; plus strand), CBR4 (carbonyl reductase 4; minus strand). Cytogenetic location: 4q32.3.
Variant type: single nucleotide variant.
Coding change: c.3052G>A on transcript NM_001166108.2 (MANE Select); coding-DNA position 3052, G replaced by A.
Protein change: p.Val1018Ile; replaces valine 1018 with isoleucine.
Molecular consequence: missense variant.
Genome position (GRCh38, 1-based): chr4:168,921,735, G>A. VCF-style: chr4-168921735-G-A. GRCh37 (hg19) VCF-style: chr4-169842886-G-A.
Other names: c.1855G>A, p.Val619Ile (NM_001166109.2); c.1540G>A, p.Val514Ile (NM_001166110.2); c.880G>A, p.Val294Ile (NM_001367567.1, NM_001367569.1); c.931G>A, p.Val311Ile (NM_001367568.1, NM_001367570.1); c.3001G>A, p.Val1001Ile (NM_016081.4); c.1540G>A (NM_001166110.1); short protein forms V1018I, V514I, V311I, V1001I, V294I, V619I.
Identifiers: ClinVar variation 2193567 (VCV002193567.6), dbSNP rs764754301, ClinGen allele CA3136016.